The following is an entry in ClinVar:

NM_001393769.1(MED12L):c.4995G>C (p.Gln1665His)

Gene: MED12L (mediator complex subunit 12L; plus strand). Cytogenetic location: 3q25.1.
Variant type: single nucleotide variant.
Coding change: c.4995G>C on transcript NM_001393769.1 (MANE Select); coding-DNA position 4995, G replaced by C.
Protein change: p.Gln1665His; replaces glutamine 1665 with histidine.
Molecular consequence: missense variant.
Genome position (GRCh38, 1-based): chr3:151,385,098, G>C. VCF-style: chr3-151385098-G-C. GRCh37 (hg19) VCF-style: chr3-151102886-G-C.
Other names: c.4890G>C, p.Gln1630His (NM_053002.6); short protein forms Q1630H, Q1665H.
Identifiers: ClinVar variation 4532634 (VCV004532634.1).
Genomic context (GRCh38, chr3:151,385,098, plus strand): 5'-AGGAGACAAGCGATCAGAAAGTATTGACAAAGTTCGACAGTTACTACCTTTGCCGAAACA[G>C]ACATGTGATGTCATCACTTGTGAACCTATGGGTTCCTTGATTGACACAAAAGGAAACAAA-3'
Protein context (NP_001380698.1, residues 1655-1675): KVRQLLPLPK[Gln1665His]TCDVITCEPM

ClinVar aggregate classification (germline): Uncertain significance (1 of 4 stars; one submission).

Submission:

GeneDx
Classification: Uncertain significance. Last evaluated: 2025-05-28. Review status: criteria provided, single submitter. Criteria: GeneDx Variant Classification Process June 2021. Collection method: clinical testing. Allele origin: germline. Affected: yes.
Comment: Not observed at significant frequency in large population cohorts (gnomAD); In silico analysis supports that this missense variant has a deleterious effect on protein structure/function; Has not been previously published as pathogenic or benign to our knowledge